The following is an entry in ClinVar:

NM_000059.4(BRCA2):c.10028A>T (p.Glu3343Val)

Gene: BRCA2 (BRCA2 DNA repair associated; plus strand). Cytogenetic location: 13q13.1.
Variant type: single nucleotide variant.
Coding change: c.10028A>T on transcript NM_000059.4 (MANE Select); coding-DNA position 10028, A replaced by T.
Protein change: p.Glu3343Val; replaces glutamic acid 3343 with valine.
Molecular consequence: missense variant.
Genome position (GRCh38, 1-based): chr13:32,398,541, A>T. VCF-style: chr13-32398541-A-T. GRCh37 (hg19) VCF-style: chr13-32972678-A-T.
Other names: c.9932A>T, p.Glu3311Val (NM_001406719.1); c.9977A>T, p.Glu3326Val (NM_001406720.1); c.5096A>T, p.Glu1699Val (NM_001406721.1); c.3611A>T, p.Glu1204Val (NM_001406722.1); short protein forms E1204V, E3326V, E1699V, E3311V, E3343V.
Identifiers: ClinVar variation 1770793 (VCV001770793.14), dbSNP rs772432857, ClinGen allele CA6941464.

ClinVar aggregate classification (germline): Conflicting classifications of pathogenicity. Review status: criteria provided, conflicting classifications (1 of 4 stars). 7 submissions from 7 submitters: Uncertain significance (6); Likely benign (1). Last evaluated 2025-12-10.

Conditions:
BRCA2-related disorder. Also called: BRCA2-related condition; BRCA2-related disorders. Identifiers: MedGen CN239275.
Familial cancer of breast. Also called: hereditary breast carcinoma; Hereditary breast cancer; BREAST CANCER, FAMILIAL. Identifiers: Orphanet 227535, MedGen C0346153, MONDO:0016419, OMIM 114480. Disease mechanism: loss of function.
Hereditary cancer-predisposing syndrome. Also called: Tumor predisposition; Hereditary neoplastic syndrome; Hereditary Cancer Syndrome; Neoplastic Syndromes, Hereditary. Identifiers: Orphanet 140162, MedGen C0027672, MeSH D009386, MONDO:0015356.
Hereditary breast ovarian cancer syndrome. Also called: Breast and ovarian cancer; BRCA1- and BRCA2-Associated Hereditary Breast and Ovarian Cancer; Hereditary breast and/or ovarian cancer syndrome; Hereditary breast and ovarian cancer; Hereditary breast and ovarian cancer syndrome; Hereditary breast and ovarian cancer syndrome (HBOC). Identifiers: Orphanet 145, MedGen C0677776, MeSH D061325, MONDO:0003582. Disease mechanism: loss of function.

Allele frequency attached by ClinVar (database versions not stated): gnomAD 0.00001; gnomAD exomes 0.00001; ExAC 0.00002.
gnomAD v4.1: 7 of 1,614,100 alleles (0.00043%); no homozygotes.

Submissions (7):

Department of Clinical Genetics, Copenhagen University Hospital, Rigshospitalet
Classification: Likely benign for Familial cancer of breast. Last evaluated: 2025-12-10. Review status: criteria provided, single submitter. Criteria: ACMG Guidelines, 2015. Collection method: clinical testing. Allele origin: germline.
Comment: The variant is localised in the last exon (E27). The following ACMG criteria has been used: PM2_SUP (not reported in non-founder populations in gnomAD v.2.1 (non-cancer) or v.3.1 (non-cancer)); BP1_strong (SpliceAI ≤0.1)

PreventionGenetics, part of Exact Sciences
Classification: Uncertain significance for BRCA2-related condition. Last evaluated: 2025-03-06. Review status: criteria provided, single submitter. Criteria: ACMG Guidelines, 2015. Collection method: clinical testing. Allele origin: germline.
Comment: The BRCA2 c.10028A>T variant is predicted to result in the amino acid substitution p.Glu3343Val. To our knowledge, this variant has not been reported in the literature. This variant is reported in 0.014% of alleles in individuals of European (Finnish) descent in gnomAD. This variant is interpreted as variant of uncertain significance in ClinVar. At this time, the clinical significance of this variant is uncertain due to the absence of conclusive functional and genetic evidence.

Center for Genomic Medicine, Rigshospitalet, Copenhagen University Hospital
Classification: Uncertain significance. Last evaluated: 2025-03-04. Review status: criteria provided, single submitter. Criteria: ACMG Guidelines, 2015. Collection method: clinical testing. Allele origin: germline.

Baylor Genetics
Classification: Uncertain significance for Familial cancer of breast. Last evaluated: 2024-02-28. Review status: criteria provided, single submitter. Criteria: ACMG Guidelines, 2015. Collection method: clinical testing. Allele origin: unknown.

Labcorp Genetics (formerly Invitae), Labcorp
Classification: Uncertain significance for Hereditary breast ovarian cancer syndrome. Last evaluated: 2023-12-04. Review status: criteria provided, single submitter. Criteria: Invitae Variant Classification Sherloc (09022015). Collection method: clinical testing. Allele origin: germline.
Comment: This sequence change replaces glutamic acid, which is acidic and polar, with valine, which is neutral and non-polar, at codon 3343 of the BRCA2 protein (p.Glu3343Val). This variant is present in population databases (rs772432857, gnomAD 0.01%). This variant has not been reported in the literature in individuals affected with BRCA2-related conditions. ClinVar contains an entry for this variant (Variation ID: 1770793). Advanced modeling of protein sequence and biophysical properties (such as structural, functional, and spatial information, amino acid conservation, physicochemical variation, residue mobility, and thermodynamic stability) performed at Invitae indicates that this missense variant is not expected to disrupt BRCA2 protein function with a negative predictive value of 95%. In summary, the available evidence is currently insufficient to determine the role of this variant in disease. Therefore, it has been classified as a Variant of Uncertain Significance.

Ambry Genetics
Classification: Uncertain significance for Hereditary cancer-predisposing syndrome. Last evaluated: 2023-06-16. Review status: criteria provided, single submitter. Criteria: Ambry Variant Classification Scheme 2023. Collection method: clinical testing. Allele origin: germline.
Comment: The p.E3343V variant (also known as c.10028A>T), located in coding exon 26 of the BRCA2 gene, results from an A to T substitution at nucleotide position 10028. The glutamic acid at codon 3343 is replaced by valine, an amino acid with dissimilar properties. This amino acid position is highly conserved in available vertebrate species. In addition, this alteration is predicted to be tolerated by in silico analysis. Since supporting evidence is limited at this time, the clinical significance of this alteration remains unclear.

Blueprint Genetics
Classification: Uncertain significance. Last evaluated: 2017-11-28. Review status: criteria provided, single submitter. Criteria: ACMG Guidelines, 2015. Collection method: clinical testing. Allele origin: germline.